The following is an entry in ClinVar:

ClinVar aggregate classification (germline): Pathogenic (0 of 4 stars; one submission).

Conditions:
Leber congenital amaurosis (LCA). Also called: Leber's amaurosis. Identifiers: Orphanet 65, MedGen C0339527, MeSH D057130, MONDO:0018998.

Submission:

Rui Chen Lab, Baylor College of Medicine
Classification: Pathogenic for Leber congenital amaurosis. Last evaluated: 2017-05-09. Review status: no assertion criteria provided. Collection method: research. Allele origin: germline. Affected: yes.
Comment: An in vitrominigene system was used to confirm that the variant disrupts splicing

NM_006915.3(RP2):c.102+3A>C

Gene: RP2 (RP2 activator of ARL3 GTPase; plus strand). Cytogenetic location: Xp11.3.
Variant type: single nucleotide variant.
Coding change: c.102+3A>C on transcript NM_006915.3 (MANE Select); 3 bases into the intron after coding-DNA position 102, A replaced by C.
Molecular consequence: intron variant.
Genome position (GRCh38, 1-based): chrX:46,837,205, A>C. VCF-style: chrX-46837205-A-C. GRCh37 (hg19) VCF-style: chrX-46696640-A-C.
Identifiers: ClinVar variation 427871 (VCV000427871.2), dbSNP rs1556313557, ClinGen allele CA658658980.